The following is an entry in ClinVar:

NM_004453.4(ETFDH):c.950C>T (p.Pro317Leu)

Gene: ETFDH (electron transfer flavoprotein dehydrogenase; plus strand). Cytogenetic location: 4q32.1.
Variant type: single nucleotide variant.
Coding change: c.950C>T on transcript NM_004453.4 (MANE Select); coding-DNA position 950, C replaced by T.
Protein change: p.Pro317Leu; replaces proline 317 with leucine.
Molecular consequence: missense variant.
Genome position (GRCh38, 1-based): chr4:158,697,677, C>T. VCF-style: chr4-158697677-C-T. GRCh37 (hg19) VCF-style: chr4-159618829-C-T.
Other names: c.809C>T, p.Pro270Leu (NM_001281737.2); c.767C>T, p.Pro256Leu (NM_001281738.1); short protein forms P256L, P270L, P317L.
Identifiers: ClinVar variation 1001346 (VCV001001346.9), dbSNP rs1394204740, ClinGen allele CA358561712.

ClinVar aggregate classification (germline): Uncertain significance (1 of 4 stars; one submission).

Conditions:
Multiple acyl-CoA dehydrogenase deficiency (MADD). Also called: Glutaric acidemia type II; GA 2; Glutaric aciduria, type 2; ETHYLMALONIC-ADIPICACIDURIA; GA II; Glutaric Acidemia type 2. Identifiers: Orphanet 26791, MedGen C0268596, MONDO:0009282, OMIM 231680.

Allele frequency attached by ClinVar (database versions not stated): gnomAD 0.00001.
gnomAD v4.1: 1 of 1,613,614 alleles (0.000062%); highest among the groups gnomAD compares: African/African-American, 0.0013%; no homozygotes.

Submission:

Labcorp Genetics (formerly Invitae), Labcorp
Classification: Uncertain significance for Multiple acyl-CoA dehydrogenase deficiency. Last evaluated: 2025-12-06. Review status: criteria provided, single submitter. Criteria: Invitae Variant Classification Sherloc (09022015). Collection method: clinical testing. Allele origin: germline.
Comment: This sequence change replaces proline, which is neutral and non-polar, with leucine, which is neutral and non-polar, at codon 317 of the ETFDH protein (p.Pro317Leu). This variant is present in population databases (no rsID available, gnomAD 0.01%). This missense change has been observed in individual(s) with glutaric acidemia type II (internal data). ClinVar contains an entry for this variant (Variation ID: 1001346). Invitae Evidence Modeling of protein sequence and biophysical properties (such as structural, functional, and spatial information, amino acid conservation, physicochemical variation, residue mobility, and thermodynamic stability) indicates that this missense variant is expected to disrupt ETFDH protein function with a positive predictive value of 95%. In summary, the available evidence is currently insufficient to determine the role of this variant in disease. Therefore, it has been classified as a Variant of Uncertain Significance.